The following is an entry in ClinVar:

ClinVar aggregate classification (germline): Uncertain significance (1 of 4 stars; one submission).

Conditions:
Malignant hyperthermia, susceptibility to, 1 (MHS1). Also called: Anesthesia related hyperthermia; Malignant hyperpyrexia; Fulminating hyperpyrexia; Pharmacogenic myopathy; RYR1-Related Malignant Hyperthermia Susceptibility; Malignant hyperthermia suceptibility 1. Identifiers: Orphanet 423, MedGen C2930980, MONDO:0007783, OMIM 145600.

gnomAD v4.1: 6 of 1,614,158 alleles (0.00037%); highest among the groups gnomAD compares: Non-Finnish European, 0.00051%; no homozygotes.

Submission:

All of Us Research Program, National Institutes of Health
Classification: Uncertain significance for Malignant hyperthermia, susceptibility to, 1. Last evaluated: 2024-09-11. Review status: criteria provided, single submitter. Criteria: ACMG Guidelines, 2015. Collection method: clinical testing. Allele origin: germline. Inheritance: Autosomal dominant inheritance. Observed: 1 variant allele, 1 heterozygote.
Comment: This study involves interpretation of variants in research participants for the purpose of population health screening. Participant phenotype was not available at the time of variant classification. Additional details can be found in publication PMID: 35346344, PMCID: PMC8962531

NM_000540.3(RYR1):c.1807T>C (p.Cys603Arg)

Gene: RYR1 (ryanodine receptor 1; plus strand). Cytogenetic location: 19q13.2.
Variant type: single nucleotide variant.
Coding change: c.1807T>C on transcript NM_000540.3 (MANE Select); coding-DNA position 1807, T replaced by C.
Protein change: p.Cys603Arg; replaces cysteine 603 with arginine.
Molecular consequence: missense variant.
Genome position (GRCh38, 1-based): chr19:38,457,512, T>C. VCF-style: chr19-38457512-T-C. GRCh37 (hg19) VCF-style: chr19-38948152-T-C.
Other names: c.1807T>C, p.Cys603Arg (NM_001042723.2); short protein forms C603R.
Identifiers: ClinVar variation 3387657 (VCV003387657.1).